The following is an entry in ClinVar:

ClinVar aggregate classification (germline): Uncertain significance (1 of 4 stars; one submission).

Conditions:
Encephalopathy, acute, infection-induced (herpes-specific), susceptibility to, 1. Also called: Herpes simplex encephalitis, susceptibility to, 1. Identifiers: Orphanet 1930, MedGen C2750180, MONDO:0024563, OMIM 610551.

gnomAD v4.1: 42 of 1,612,704 alleles (0.0026%); highest among the groups gnomAD compares: Non-Finnish European, 0.0036%; no homozygotes.

Submission:

Labcorp Genetics (formerly Invitae), Labcorp
Classification: Uncertain significance for Encephalopathy, acute, infection-induced (herpes-specific), susceptibility to, 1. Last evaluated: 2024-07-06. Review status: criteria provided, single submitter. Criteria: Invitae Variant Classification Sherloc (09022015). Collection method: clinical testing. Allele origin: germline.
Comment: This sequence change replaces leucine, which is neutral and non-polar, with valine, which is neutral and non-polar, at codon 226 of the TLR3 protein (p.Leu226Val). This variant is present in population databases (no rsID available, gnomAD 0.003%). This variant has not been reported in the literature in individuals affected with TLR3-related conditions. An algorithm developed to predict the effect of missense changes on protein structure and function (PolyPhen-2) suggests that this variant is likely to be disruptive. In summary, the available evidence is currently insufficient to determine the role of this variant in disease. Therefore, it has been classified as a Variant of Uncertain Significance.

NM_003265.3(TLR3):c.676C>G (p.Leu226Val)

Gene: TLR3 (toll like receptor 3; plus strand). Cytogenetic location: 4q35.1.
Variant type: single nucleotide variant.
Coding change: c.676C>G on transcript NM_003265.3 (MANE Select); coding-DNA position 676, C replaced by G.
Protein change: p.Leu226Val; replaces leucine 226 with valine.
Molecular consequence: missense variant.
Genome position (GRCh38, 1-based): chr4:186,082,362, C>G. VCF-style: chr4-186082362-C-G. GRCh37 (hg19) VCF-style: chr4-187003516-C-G.
Other names: short protein forms L226V.
Identifiers: ClinVar variation 3700696 (VCV003700696.2).